The following is an entry in ClinVar:

ClinVar aggregate classification (germline): Benign. Review status: criteria provided, multiple submitters, no conflicts (2 of 4 stars). 5 submissions from 5 submitters: Benign (5). Last evaluated 2024-11-27.

Conditions:
Amelogenesis imperfecta hypomaturation type 2A2. Also called: AMELOGENESIS IMPERFECTA, PIGMENTED HYPOMATURATION TYPE, 2; Amelogenesis imperfecta, type IIA2; Amelogenesis imperfecta, hypomaturation type, IIA2. Identifiers: Orphanet 88661, MedGen C2675858, MONDO:0012926, OMIM 612529. Disease mechanism: loss of function.

Allele frequency attached by ClinVar (database versions not stated): gnomAD 0.39948 and 0.40698; ESP Exome Variant Server 0.40649; TOPMed 0.41078; 1000 Genomes Project 30x 0.41552; 1000 Genomes Project 0.41993; ExAC 0.45170; gnomAD exomes 0.45296.
gnomAD v4.1: 731,192 of 1,612,304 alleles (45%); highest among the groups gnomAD compares: South Asian, 58%; 168,687 homozygotes.

Submissions (5):

Blueprint Genetics
Classification: Benign. Last evaluated: 2024-11-27. Review status: criteria provided, single submitter. Criteria: ACMG Guidelines, 2015. Collection method: clinical testing. Allele origin: germline.

GeneDx
Classification: Benign. Last evaluated: 2018-11-12. Review status: criteria provided, single submitter. Criteria: GeneDx Variant Classification Process June 2021. Collection method: clinical testing. Allele origin: germline. Affected: yes.

Illumina Laboratory Services, Illumina
Classification: Benign for Amelogenesis imperfecta hypomaturation type 2A2. Last evaluated: 2018-01-12. Review status: criteria provided, single submitter. Criteria: ICSL Variant Classification Criteria 13 December 2019. Collection method: clinical testing. Allele origin: germline.
Comment: This variant was observed in the ICSL laboratory as part of a predisposition screen in an ostensibly healthy population. It had not been previously curated by ICSL or reported in the Human Gene Mutation Database (HGMD: prior to June 1st, 2018), and was therefore a candidate for classification through an automated scoring system. Utilizing variant allele frequency, disease prevalence and penetrance estimates, and inheritance mode, an automated score was calculated to assess if this variant is too frequent to cause the disease. Based on the score and internal cut-off values, a variant classified as benign is not then subjected to further curation. The score for this variant resulted in a classification of benign for this disease.

Breakthrough Genomics
Classification: Benign. Review status: criteria provided, single submitter. Criteria: ACMG Guidelines, 2015. Collection method: not provided. Allele origin: germline. Inheritance: Autosomal recessive inheritance. Affected: yes.

PreventionGenetics, part of Exact Sciences
Classification: Benign. Review status: criteria provided, single submitter. Criteria: ACMG Guidelines, 2015. Collection method: clinical testing. Allele origin: germline.

NM_004771.4(MMP20):c.842C>A (p.Thr281Asn)

Gene: MMP20 (matrix metallopeptidase 20; minus strand). Cytogenetic location: 11q22.2.
Variant type: single nucleotide variant.
Coding change: c.842C>A on transcript NM_004771.4 (MANE Select); coding-DNA position 842, C replaced by A.
Protein change: p.Thr281Asn; replaces threonine 281 with asparagine.
Molecular consequence: missense variant.
Genome position (GRCh38, 1-based): chr11:102,606,646, G>T on the plus strand (C>A on the coding strand, the complement: MMP20 is on the minus strand). VCF-style: chr11-102606646-G-T. GRCh37 (hg19) VCF-style: chr11-102477377-G-T.
Other names: short protein forms T281N.
Identifiers: ClinVar variation 259542 (VCV000259542.10), dbSNP rs1784424, ClinGen allele CA6248307.